The following is an entry in ClinVar:

NM_021830.5(TWNK):c.1735-202G>A

Gene: TWNK (twinkle mtDNA helicase; plus strand). Cytogenetic location: 10q24.31.
Variant type: single nucleotide variant.
Coding change: c.1735-202G>A on transcript NM_021830.5 (MANE Select); 202 bases into the intron before coding-DNA position 1735, G replaced by A.
Molecular consequence: intron variant.
Genome position (GRCh38, 1-based): chr10:100,992,988, G>A. VCF-style: chr10-100992988-G-A. GRCh37 (hg19) VCF-style: chr10-102752745-G-A.
Other names: c.30-202G>A (NM_001163812.2, NM_001163814.2); c.373-202G>A (NM_001163813.2, NM_001368275.1).
Identifiers: ClinVar variation 678153 (VCV000678153.1), dbSNP rs4919511, ClinGen allele CA13167045.

ClinVar aggregate classification (germline): Benign (1 of 4 stars; one submission).

Allele frequency attached by ClinVar (database versions not stated): gnomAD 0.27246 and 0.27613; TOPMed 0.29313; 1000 Genomes Project 30x 0.35790; 1000 Genomes Project 0.36222.
gnomAD v4.1: 41,777 of 151,868 alleles (28%); highest among the groups gnomAD compares: East Asian, 54%; 6,591 homozygotes.

Submission:

GeneDx
Classification: Benign. Last evaluated: 2018-06-14. Review status: criteria provided, single submitter. Criteria: GeneDx Variant Classification (06012015). Collection method: clinical testing. Allele origin: germline. Affected: yes.
Comment: This variant is considered likely benign or benign based on one or more of the following criteria: it is a conservative change, it occurs at a poorly conserved position in the protein, it is predicted to be benign by multiple in silico algorithms, and/or has population frequency not consistent with disease.